The following is an entry in ClinVar:

NM_006445.4(PRPF8):c.1223C>T (p.Pro408Leu)

Gene: PRPF8 (pre-mRNA processing factor 8; minus strand). Cytogenetic location: 17p13.3.
Variant type: single nucleotide variant.
Coding change: c.1223C>T on transcript NM_006445.4 (MANE Select); coding-DNA position 1223, C replaced by T.
Protein change: p.Pro408Leu; replaces proline 408 with leucine.
Molecular consequence: missense variant.
Genome position (GRCh38, 1-based): chr17:1,679,675, G>A on the plus strand (C>T on the coding strand, the complement: PRPF8 is on the minus strand). VCF-style: chr17-1679675-G-A. GRCh37 (hg19) VCF-style: chr17-1582969-G-A.
Other names: short protein forms P408L.
Identifiers: ClinVar variation 3249675 (VCV003249675.3).

ClinVar aggregate classification (germline): Uncertain significance. Review status: criteria provided, single submitter (1 of 4 stars). 2 submissions from 2 submitters: Uncertain significance (1). 1 of the submissions does not count toward it. Last evaluated 2025-03-10.

Conditions:
Retinal dystrophy. Also called: Inherited retinal dystrophy. Identifiers: Orphanet 71862, MedGen C0854723, MeSH D058499, MONDO:0019118, HP:0000556.

gnomAD v4.1: 18 of 1,614,054 alleles (0.0011%); highest among the groups gnomAD compares: East Asian, 0.0045%; no homozygotes.

Submissions (2):

Labcorp Genetics (formerly Invitae), Labcorp
Classification: Uncertain significance. Last evaluated: 2025-03-10. Review status: criteria provided, single submitter. Criteria: Invitae Variant Classification Sherloc (09022015). Collection method: clinical testing. Allele origin: germline.
Comment: This sequence change replaces proline, which is neutral and non-polar, with leucine, which is neutral and non-polar, at codon 408 of the PRPF8 protein (p.Pro408Leu). This variant is present in population databases (rs760462310, gnomAD 0.007%). This variant has not been reported in the literature in individuals affected with PRPF8-related conditions. ClinVar contains an entry for this variant (Variation ID: 3249675). Invitae Evidence Modeling of protein sequence and biophysical properties (such as structural, functional, and spatial information, amino acid conservation, physicochemical variation, residue mobility, and thermodynamic stability) has been performed for this missense variant. However, the output from this modeling did not meet the statistical confidence thresholds required to predict the impact of this variant on PRPF8 protein function. In summary, the available evidence is currently insufficient to determine the role of this variant in disease. Therefore, it has been classified as a Variant of Uncertain Significance.

Institute of Human Genetics, Univ. Regensburg, Univ. Regensburg
Classification: Likely pathogenic for Retinal dystrophy. Last evaluated: 2019-01-01. Review status: no assertion criteria provided. Criteria: ACMG Guidelines, 2015. Collection method: clinical testing. Allele origin: germline. Affected: yes. Not counted in ClinVar's aggregate classification.